The following is an entry in ClinVar:

ClinVar aggregate classification (germline): Uncertain significance (1 of 4 stars; one submission).

Submission:

GeneDx
Classification: Uncertain significance. Last evaluated: 2019-11-12. Review status: criteria provided, single submitter. Criteria: GeneDx Variant Classification Process June 2021. Collection method: clinical testing. Allele origin: germline. Affected: yes.
Comment: Not observed in large population cohorts (Lek et al., 2016); In silico analysis, which includes protein predictors and evolutionary conservation, supports that this variant does not alter protein structure/function; Has not been previously published as pathogenic or benign to our knowledge

NM_018489.3(ASH1L):c.1165A>C (p.Lys389Gln)

Gene: ASH1L (ASH1 like histone lysine methyltransferase; minus strand). Cytogenetic location: 1q22.
Variant type: single nucleotide variant.
Coding change: c.1165A>C on transcript NM_018489.3 (MANE Select); coding-DNA position 1165, A replaced by C.
Protein change: p.Lys389Gln; replaces lysine 389 with glutamine.
Molecular consequence: missense variant.
Genome position (GRCh38, 1-based): chr1:155,481,705, T>G on the plus strand (A>C on the coding strand, the complement: ASH1L is on the minus strand). VCF-style: chr1-155481705-T-G. GRCh37 (hg19) VCF-style: chr1-155451496-T-G.
Other names: c.1165A>C, p.Lys389Gln (NM_001366177.2); short protein forms K389Q.
Identifiers: ClinVar variation 1315934 (VCV001315934.2), dbSNP rs2148731450, ClinGen allele CA342737762.
Genomic context (GRCh38, chr1:155,481,705, plus strand): 5'-TTAGTTTCTTTCCAATGTCCTTATTAACCAATCCCATTGCTGAACTTGCTACAATCTTCT[T>G]TGCACAGTCCTTGGCCACTAGGCCAACAGTAGAACCCAATTTCTTTCCCAAATCTTTATT-3'
Protein context (NP_060959.2, residues 379-399): TVGLVAKDCA[Lys389Gln]KIVASSAMGL